The following is an entry in ClinVar:

NM_003403.5(YY1):c.490TCG[3] (p.Ser167del)

Gene: YY1 (YY1 transcription factor; plus strand). Cytogenetic location: 14q32.2.
Variant type: Microsatellite.
Coding change: c.490TCG[3] on transcript NM_003403.5 (MANE Select); three copies in a row of the 3-base unit TCG starting at c.490; the reference has four copies in a row; one copy, 3 bases deleted; also written c.499_501del.
Protein change: p.Ser167del; deletes serine 167.
Molecular consequence: inframe deletion.
Genome position (GRCh38, 1-based): chr14:100,239,743-100,239,745, TCG deleted; deleting any 3 consecutive bases within chr14:100,239,734-100,239,745 gives the same sequence; the position shown is the placement nearest the transcript's 3' end. VCF-style (leftmost placement, unchanged base first): chr14-100239733-CTCG-C. GRCh37 (hg19) VCF-style: chr14-100706070-CTCG-C.
Other names: c.499_501del (NM_003403.5); short protein forms S167del.
Identifiers: ClinVar variation 5005276 (VCV005005276.2).

ClinVar aggregate classification (germline): Uncertain significance (1 of 4 stars; one submission).

Conditions:
Gabriele de Vries syndrome. Identifiers: Orphanet 506358, MedGen C4479652, MONDO:0044738, OMIM 617557.

Submission:

Juno Genomics, Hangzhou Juno Genomics, Inc
Classification: Uncertain significance for Gabriele de Vries syndrome. Review status: criteria provided, single submitter. Criteria: ACMG Guidelines, 2015. Collection method: clinical testing. Allele origin: germline.
Comment: Absent from controls (or at extremely low frequency if recessive) in Genome Aggregation Database.;Protein length changes due to in-frame deletions/insertions in a non-repeat region or stop-loss variants.